The following is an entry in ClinVar:

NM_006431.3(CCT2):c.686C>T (p.Pro229Leu)

Gene: CCT2 (chaperonin containing TCP1 subunit 2; plus strand). Cytogenetic location: 12q15.
Variant type: single nucleotide variant.
Coding change: c.686C>T on transcript NM_006431.3 (MANE Select); coding-DNA position 686, C replaced by T.
Protein change: p.Pro229Leu; replaces proline 229 with leucine.
Molecular consequence: missense variant.
Genome position (GRCh38, 1-based): chr12:69,592,095, C>T. VCF-style: chr12-69592095-C-T. GRCh37 (hg19) VCF-style: chr12-69985875-C-T.
Other names: c.545C>T, p.Pro182Leu (NM_001198842.2); short protein forms P229L, P182L.
Identifiers: ClinVar variation 1993334 (VCV001993334.4), dbSNP rs1414273967, ClinGen allele CA385728066.

ClinVar aggregate classification (germline): Uncertain significance (1 of 4 stars; one submission).

Allele frequency attached by ClinVar (database versions not stated): gnomAD exomes below 0.00001; gnomAD 0.00001; TOPMed 0.00001.
gnomAD v4.1: 4 of 1,600,162 alleles (0.00025%); highest among the groups gnomAD compares: African/African-American, 0.0013%; no homozygotes.

Submission:

Labcorp Genetics (formerly Invitae), Labcorp
Classification: Uncertain significance. Last evaluated: 2023-03-03. Review status: criteria provided, single submitter. Criteria: Invitae Variant Classification Sherloc (09022015). Collection method: clinical testing. Allele origin: germline.
Comment: This variant has not been reported in the literature in individuals affected with CCT2-related conditions. This variant is not present in population databases (gnomAD no frequency). This sequence change replaces proline, which is neutral and non-polar, with leucine, which is neutral and non-polar, at codon 229 of the CCT2 protein (p.Pro229Leu). ClinVar contains an entry for this variant (Variation ID: 1993334). In summary, the available evidence is currently insufficient to determine the role of this variant in disease. Therefore, it has been classified as a Variant of Uncertain Significance. An algorithm developed to predict the effect of missense changes on protein structure and function (PolyPhen-2) suggests that this variant is likely to be disruptive.